The following is an entry in ClinVar:

ClinVar aggregate classification (germline): Likely benign (1 of 4 stars; one submission).

Allele frequency attached by ClinVar (database versions not stated): ExAC 0.00001; TOPMed 0.00001; gnomAD 0.00002; gnomAD exomes 0.00002.
gnomAD v4.1: 29 of 1,612,618 alleles (0.0018%); highest among the groups gnomAD compares: Admixed American, 0.005%; no homozygotes.

Submission:

CeGaT Center for Human Genetics Tuebingen
Classification: Likely benign. Last evaluated: 2022-09-01. Review status: criteria provided, single submitter. Criteria: CeGaT Center For Human Genetics Tuebingen Variant Classification Criteria Version 2. Collection method: clinical testing. Allele origin: germline. Affected: yes. Observed: 1 variant allele.
Comment: EIF2D: BP4

NM_006893.3(EIF2D):c.422+4C>T

Gene: EIF2D (eukaryotic translation initiation factor 2D; minus strand). Cytogenetic location: 1q32.1.
Variant type: single nucleotide variant.
Coding change: c.422+4C>T on transcript NM_006893.3 (MANE Select); 4 bases into the intron after coding-DNA position 422, C replaced by T.
Molecular consequence: intron variant.
Genome position (GRCh38, 1-based): chr1:206,608,232, G>A on the plus strand (C>T on the coding strand, the complement: EIF2D is on the minus strand). VCF-style: chr1-206608232-G-A. GRCh37 (hg19) VCF-style: chr1-206781585-G-A.
Other names: c.422+4C>T (NM_001201478.2).
Identifiers: ClinVar variation 2639863 (VCV002639863.24), dbSNP rs782520765, ClinGen allele CA1362760.
Genomic context (GRCh38, chr1:206,608,232, plus strand): 5'-TTCCCCTCCAACTTCTCTTTTACACAAGTTTTTCCCCCAAAGGCACAGTTGCCTGGCACA[G>A]TACCTGTTCCCCACCAAAGAAATGGCACAGAGGTCGCCCTTCTGTACCTGAGGCAGACCA-3'